The following is an entry in ClinVar:

ClinVar aggregate classification (germline): Uncertain significance. Review status: criteria provided, multiple submitters, no conflicts (2 of 4 stars). 5 submissions from 4 submitters: Uncertain significance (5). Last evaluated 2025-03-24.

Conditions:
DNA ligase IV deficiency. Identifiers: Orphanet 99812, MedGen C1847827, MONDO:0011686, OMIM 606593.
Multiple myeloma (MM). Also called: Plasma cell myeloma; Multiple myeloma, somatic. Identifiers: Orphanet 29073, Orphanet 85443, MedGen C0026764, MeSH D009101, MONDO:0009693, OMIM 254500, HP:0006775.
Severe combined immunodeficiency due to DCLRE1C deficiency (RS-SCID). Also called: SCID, AUTOSOMAL RECESSIVE, T CELL-NEGATIVE, B CELL-NEGATIVE, NK CELL-POSITIVE, WITH SENSITIVITY TO IONIZING RADIATION. Identifiers: Orphanet 275, MedGen C1865371, MONDO:0011225, OMIM 602450.

Allele frequency attached by ClinVar (database versions not stated): gnomAD exomes 0.00007 and 0.00006; ExAC 0.00007; TOPMed 0.00002; gnomAD 0.00001 and 0.00002; ESP Exome Variant Server 0.00008.
gnomAD v4.1: 84 of 1,613,632 alleles (0.0052%); highest among the groups gnomAD compares: East Asian, 0.18%; 1 homozygote.

Submissions (5):

Labcorp Genetics (formerly Invitae), Labcorp
Classification: Uncertain significance for DNA ligase IV deficiency. Last evaluated: 2025-03-24. Review status: criteria provided, single submitter. Criteria: Invitae Variant Classification Sherloc (09022015). Collection method: clinical testing. Allele origin: germline.
Comment: This sequence change replaces cysteine, which is neutral and slightly polar, with phenylalanine, which is neutral and non-polar, at codon 365 of the LIG4 protein (p.Cys365Phe). This variant is present in population databases (rs144322912, gnomAD 0.08%). This variant has not been reported in the literature in individuals affected with LIG4-related conditions. ClinVar contains an entry for this variant (Variation ID: 533822). Invitae Evidence Modeling of protein sequence and biophysical properties (such as structural, functional, and spatial information, amino acid conservation, physicochemical variation, residue mobility, and thermodynamic stability) has been performed for this missense variant. However, the output from this modeling did not meet the statistical confidence thresholds required to predict the impact of this variant on LIG4 protein function. In summary, the available evidence is currently insufficient to determine the role of this variant in disease. Therefore, it has been classified as a Variant of Uncertain Significance.

Fulgent Genetics
Classification: Uncertain significance for Multiple myeloma; DNA ligase IV deficiency. Last evaluated: 2024-05-17. Review status: criteria provided, single submitter. Criteria: ACMG Guidelines, 2015. Collection method: clinical testing. Allele origin: germline.

Genetic Services Laboratory, University of Chicago
Classification: Uncertain significance. Last evaluated: 2021-10-12. Review status: criteria provided, single submitter. Criteria: ACMG Guidelines, 2015. Collection method: clinical testing. Allele origin: germline. Affected: no.
Comment: DNA sequence analysis of the LIG4 gene demonstrated a sequence change, c.1094G>T, in exon 2 that results in an amino acid change, p.Cys365Phe.This sequence change has been described in the gnomAD database with a frequency of 0.08% in the East Asian subpopulation (dbSNP rs144322912). The p.Cys365Phe change affects a moderately conserved amino acid residue located in a domain of the LIG4 protein that is known to be functional. In-silico pathogenicity prediction tools (SIFT, PolyPhen2, Align GVGD, REVEL) provide contradictory results for the p.Cys365Phe substitution. This sequence change does not appear to have been previously described in individuals with LIG4-related disorders. Due to insufficient evidence and the lack of functional studies, the clinical significance of the p.Cys365Phe change remains unknown at this time.

Illumina Laboratory Services, Illumina
Classification: Uncertain significance for Severe combined immunodeficiency due to DCLRE1C deficiency. Last evaluated: 2018-01-12. Review status: criteria provided, single submitter. Criteria: ICSL Variant Classification Criteria 13 December 2019. Collection method: clinical testing. Allele origin: germline.

Illumina Laboratory Services, Illumina
Classification: Uncertain significance for DNA ligase IV deficiency. Last evaluated: 2018-01-12. Review status: criteria provided, single submitter. Criteria: ICSL Variant Classification Criteria 13 December 2019. Collection method: clinical testing. Allele origin: germline.

NM_206937.2(LIG4):c.1094G>T (p.Cys365Phe)

Gene: LIG4 (DNA ligase 4; minus strand). Cytogenetic location: 13q33.3.
Variant type: single nucleotide variant.
Coding change: c.1094G>T on transcript NM_206937.2 (MANE Select); coding-DNA position 1094, G replaced by T.
Protein change: p.Cys365Phe; replaces cysteine 365 with phenylalanine.
Molecular consequence: missense variant.
Genome position (GRCh38, 1-based): chr13:108,210,175, C>A on the plus strand (G>T on the coding strand, the complement: LIG4 is on the minus strand). VCF-style: chr13-108210175-C-A. GRCh37 (hg19) VCF-style: chr13-108862523-C-A.
Other names: c.1094G>T, p.Cys365Phe (NM_001098268.2, NM_001352598.2, NM_001352599.2 and 6 more transcripts); c.893G>T, p.Cys298Phe (NM_001330595.2); c.1130G>T, p.Cys377Phe (NM_001352604.2); short protein forms C365F, C298F, C377F.
Identifiers: ClinVar variation 533822 (VCV000533822.14), dbSNP rs144322912, ClinGen allele CA7043752.